The following is an entry in ClinVar:

NM_007294.4(BRCA1):c.5074+1253T>C

Gene: BRCA1 (BRCA1 DNA repair associated; minus strand). Cytogenetic location: 17q21.31.
Variant type: single nucleotide variant.
Coding change: c.5074+1253T>C on transcript NM_007294.4 (MANE Select); 1253 bases into the intron after coding-DNA position 5074, T replaced by C.
Molecular consequence: intron variant.
Genome position (GRCh38, 1-based): chr17:43,066,355, A>G on the plus strand (T>C on the coding strand, the complement: BRCA1 is on the minus strand). VCF-style: chr17-43066355-A-G. GRCh37 (hg19) VCF-style: chr17-41218372-A-G.
Other names: IVS 17+1253T>C; c.4738+1253T>C (NM_001407953.1, NM_001407955.1, NM_001407951.1 and 3 more transcripts); c.4741+1253T>C (NM_001407949.1, NM_001407946.1, NM_001407948.1 and 1 more transcripts); c.1438+1253T>C (NM_001408506.1); c.1552+1253T>C (NM_001408481.1, NM_001408490.1, NM_001408489.1 and 5 more transcripts); c.1555+1253T>C (NM_001408480.1, NM_001408479.1, NM_001408478.1); c.4861+1253T>C (NM_001407909.1, NM_001407906.1, NM_001407899.1 and 12 more transcripts); c.4864+1253T>C (NM_001407887.1, NM_001407889.1, NM_001407884.1 and 5 more transcripts); and 72 more.
Identifiers: ClinVar variation 209337 (VCV000209337.2), dbSNP rs8176240, ClinGen allele CA276309.
Genomic context (GRCh38, chr17:43,066,355, plus strand): 5'-TTCATATGTTAAGACTATCTCGGAGCTGTTATCAGACTTTTTTCCTGAAAAACTCTCAAC[A>G]ATACTCAAACTAGGTGTTACATGAAGCTGGGGTCTCCAGGTTTTGCCTCACTTGTTCTTT-3'

ClinVar aggregate classification (germline): Benign (3 of 4 stars; one submission).

Conditions:
Breast-ovarian cancer, familial, susceptibility to, 1 (BROVCA1). Also called: BRCA1 Hereditary Breast and Ovarian Cancer; OVARIAN CANCER, SUSCEPTIBILITY TO. Identifiers: Orphanet 145, MedGen C2676676, MONDO:0011450, OMIM 604370. Disease mechanism: loss of function.

Allele frequency attached by ClinVar (database versions not stated): gnomAD 0.01490 and 0.01581; 1000 Genomes Project 0.01797; 1000 Genomes Project 30x 0.01936; TOPMed 0.01722.
gnomAD v4.1: 2,241 of 152,196 alleles (1.5%); highest among the groups gnomAD compares: African/African-American, 5.1%; 48 homozygotes.

Submission:

Evidence-based Network for the Interpretation of Germline Mutant Alleles (ENIGMA)
Classification: Benign for Breast-ovarian cancer, familial 1. Last evaluated: 2015-01-12. Review status: reviewed by expert panel. Criteria: ENIGMA BRCA1/2 Classification Criteria (2015). Collection method: curation. Allele origin: germline.
Comment: Class 1 not pathogenic based on frequency >1% in an outbred sampleset. Frequency 0.05285 (African), derived from 1000 genomes (2012-04-30).